The following is an entry in ClinVar:

ClinVar aggregate classification (germline): Pathogenic. Review status: criteria provided, multiple submitters, no conflicts (2 of 4 stars). 3 submissions from 3 submitters: Pathogenic (3). Last evaluated 2024-11-27.

Conditions:
Hereditary nonpolyposis colorectal neoplasms. Identifiers: MedGen C0009405, MeSH D003123.
Hereditary cancer-predisposing syndrome. Also called: Tumor predisposition; Hereditary neoplastic syndrome; Neoplastic Syndromes, Hereditary; Hereditary Cancer Syndrome. Identifiers: Orphanet 140162, MedGen C0027672, MeSH D009386, MONDO:0015356.

Submissions (3):

Ambry Genetics
Classification: Pathogenic for Hereditary cancer-predisposing syndrome. Last evaluated: 2024-11-27. Review status: criteria provided, single submitter. Criteria: Ambry Variant Classification Scheme 2023. Collection method: clinical testing. Allele origin: germline.
Comment: The p.S459* pathogenic mutation (also known as c.1376C>A), located in coding exon 11 of the PMS2 gene, results from a C to A substitution at nucleotide position 1376. This changes the amino acid from a serine to a stop codon within coding exon 11. This alteration was identified in 1/10030 consecutive patients referred for evaluation by an NGS hereditary cancer panel with a personal history of colorectal cancer (Susswein LR et al. Genet Med, 2016 Aug;18:823-32). This variant has also been reported in the homozygous state in individuals with features of constitutional mismatch repair deficiency (Oberg JA et al. Genome Med, 2016 Dec;8:133; AlAli MN et al. Cureus, 2022 Apr;14:e24615). This variant is considered to be rare based on population cohorts in the Genome Aggregation Database (gnomAD). In addition to the clinical data presented in the literature, this alteration is expected to result in loss of function by premature protein truncation or nonsense-mediated mRNA decay. As such, this alteration is interpreted as a disease-causing mutation.

Labcorp Genetics (formerly Invitae), Labcorp
Classification: Pathogenic for Hereditary nonpolyposis colorectal neoplasms. Last evaluated: 2023-09-15. Review status: criteria provided, single submitter. Criteria: Invitae Variant Classification Sherloc (09022015). Collection method: clinical testing. Allele origin: germline.
Comment: For these reasons, this variant has been classified as Pathogenic. ClinVar contains an entry for this variant (Variation ID: 135936). This premature translational stop signal has been observed in individual(s) with PMS2-related conditions (PMID: 26681312). This variant is not present in population databases (gnomAD no frequency). This sequence change creates a premature translational stop signal (p.Ser459*) in the PMS2 gene. It is expected to result in an absent or disrupted protein product. Loss-of-function variants in PMS2 are known to be pathogenic (PMID: 21376568, 24362816).

GeneDx
Classification: Pathogenic. Last evaluated: 2014-05-27. Review status: criteria provided, single submitter. Criteria: GeneDx Variant Classification (06012015). Collection method: clinical testing. Allele origin: germline. Affected: yes.
Comment: This pathogenic variant is denoted PMS2 c.1376C>A at the cDNA level and p.Ser459Ter (S459X) at the protein level. The substitution creates a nonsense variant, which changes a Serine to a premature stop codon (TCA>TAA), and is predicted to cause loss of normal protein function through either protein truncation or nonsense-mediated mRNA decay. Although this variant has not, to our knowledge, been reported in the literature, it is considered pathogenic.

Literature cited by the submitters: PubMed 26270727 (cited by Ambry Genetics); PubMed 26681312 (cited by Ambry Genetics and Labcorp Genetics (formerly Invitae), Labcorp); PubMed 28007021 (cited by Ambry Genetics); PubMed 32359129 (cited by Ambry Genetics); PubMed 35651417 (cited by Ambry Genetics); PubMed 21376568 (cited by Labcorp Genetics (formerly Invitae), Labcorp); PubMed 24362816 (cited by Labcorp Genetics (formerly Invitae), Labcorp).

NM_000535.7(PMS2):c.1376C>A (p.Ser459Ter)

Gene: PMS2 (PMS1 homolog 2, mismatch repair system component; minus strand). Cytogenetic location: 7p22.1.
Variant type: single nucleotide variant.
Coding change: c.1376C>A on transcript NM_000535.7 (MANE Select); coding-DNA position 1376, C replaced by A.
Protein change: p.Ser459Ter; replaces serine 459 with a stop codon.
Molecular consequence: nonsense. On other transcripts: non-coding transcript variant (1).
Genome position (GRCh38, 1-based): chr7:5,987,389, G>T on the plus strand (C>A on the coding strand, the complement: PMS2 is on the minus strand). VCF-style: chr7-5987389-G-T. GRCh37 (hg19) VCF-style: chr7-6027020-G-T.
Other names: c.971C>A, p.Ser324Ter (NM_001322003.2, NM_001322004.2, NM_001322005.2 and 1 more transcripts); c.1220C>A, p.Ser407Ter (NM_001322006.2); c.1058C>A, p.Ser353Ter (NM_001322007.2, NM_001322008.2); c.815C>A, p.Ser272Ter (NM_001322010.2); c.443C>A, p.Ser148Ter (NM_001322011.2, NM_001322012.2); c.803C>A, p.Ser268Ter (NM_001322013.2); c.1376C>A, p.Ser459Ter (NM_001322014.2); c.1067C>A, p.Ser356Ter (NM_001322015.2); short protein forms S459*, S148*, S272*, S356*, S407*, S268*, S324*, S353*.
Identifiers: ClinVar variation 135936 (VCV000135936.10), dbSNP rs587780724, ClinGen allele CA009578.